The following is an entry in ClinVar:

NM_001267550.2(TTN):c.35041G>T (p.Glu11681Ter)

Gene: TTN (titin; minus strand). Cytogenetic location: 2q31.2.
Variant type: single nucleotide variant.
Coding change: c.35041G>T on transcript NM_001267550.2 (MANE Select); coding-DNA position 35041, G replaced by T.
Protein change: p.Glu11681Ter; replaces glutamic acid 11681 with a stop codon.
Molecular consequence: nonsense. On other transcripts: intron variant (3).
Genome position (GRCh38, 1-based): chr2:178,672,157, C>A on the plus strand (G>T on the coding strand, the complement: TTN is on the minus strand). VCF-style: chr2-178672157-C-A. GRCh37 (hg19) VCF-style: chr2-179536884-C-A.
Other names: c.33919G>T, p.Glu11307Ter (NM_001256850.1); c.31138G>T, p.Glu10380Ter (NM_133378.4); c.13283-29840G>T (NM_003319.4); c.13859-29840G>T (NM_133437.4); c.13658-29840G>T (NM_133432.3); short protein forms E10380*, E11681*, E11307*.
Identifiers: ClinVar variation 813976 (VCV000813976.1), dbSNP rs557526069, ClinGen allele CA349518359.

ClinVar aggregate classification (germline): Pathogenic (1 of 4 stars; one submission).

Conditions:
Autosomal recessive limb-girdle muscular dystrophy type 2J (LGMDR10). Also called: Limb-girdle muscular dystrophy, type 2J; MUSCULAR DYSTROPHY, LIMB-GIRDLE, AUTOSOMAL RECESSIVE 10. Identifiers: Orphanet 140922, MedGen C1837342, MONDO:0012127, OMIM 608807.

Submission:

Broad Center for Mendelian Genomics, Broad Institute of MIT and Harvard
Classification: Pathogenic for Autosomal recessive limb-girdle muscular dystrophy type 2J. Last evaluated: 2018-12-03. Review status: criteria provided, single submitter. Criteria: ACMG Guidelines, 2015. Collection method: research. Allele origin: germline. Inheritance: Autosomal recessive inheritance. Affected: yes.
Comment: The presence of this variant in combination with a pathogenic variant and in an individual with LGMD increases the likelihood that the p.Glu11681Ter variant is pathogenic. This variant was absent from large population studies. This nonsense variant leads to a premature termination codon at position 11681, which is predicted to lead to a truncated or absent protein. Loss of function of the TTN gene is an established disease mechanism in autosomal recessive LGMD. In summary, this variant meets criteria to be classified as pathogenic for LGMD in an autosomal recessive manner based on the predicted impact of the variant and the presence of a pathogenic variant in an individual with Limb-Girdle Muscular Dystrophy. ACMG/AMP Criteria applied: PM2, PVS1, PM3 (Richards 2015).